The following is an entry in ClinVar:

NM_002661.5(PLCG2):c.1537A>G (p.Met513Val)

Gene: PLCG2 (phospholipase C gamma 2; plus strand). Cytogenetic location: 16q23.3.
Variant type: single nucleotide variant.
Coding change: c.1537A>G on transcript NM_002661.5 (MANE Select); coding-DNA position 1537, A replaced by G.
Protein change: p.Met513Val; replaces methionine 513 with valine.
Molecular consequence: missense variant.
Genome position (GRCh38, 1-based): chr16:81,907,754, A>G. VCF-style: chr16-81907754-A-G. GRCh37 (hg19) VCF-style: chr16-81941359-A-G.
Other names: c.1537A>G (NM_002661.4); short protein forms M513V.
Identifiers: ClinVar variation 1391265 (VCV001391265.9), dbSNP rs764836810, ClinGen allele CA8193814.

ClinVar aggregate classification (germline): Uncertain significance. Review status: criteria provided, multiple submitters, no conflicts (2 of 4 stars). 2 submissions from 2 submitters: Uncertain significance (2). Last evaluated 2025-11-23.

Conditions:
Familial cold autoinflammatory syndrome 3 (FCAS3). Also called: FAMILIAL ATYPICAL COLD URTICARIA; ANTIBODY DEFICIENCY AND IMMUNE DYSREGULATION, PLCG2-ASSOCIATED. Identifiers: Orphanet 300359, MedGen C3280914, MONDO:0013766, OMIM 614468.

gnomAD v4.1: 6 of 1,613,562 alleles (0.00037%); highest among the groups gnomAD compares: Admixed American, 0.0017%; no homozygotes.

Submissions (2):

Labcorp Genetics (formerly Invitae), Labcorp
Classification: Uncertain significance for Familial cold autoinflammatory syndrome 3. Last evaluated: 2025-11-23. Review status: criteria provided, single submitter. Criteria: Invitae Variant Classification Sherloc (09022015). Collection method: clinical testing. Allele origin: germline.
Comment: This sequence change replaces methionine, which is neutral and non-polar, with valine, which is neutral and non-polar, at codon 513 of the PLCG2 protein (p.Met513Val). This variant is present in population databases (rs764836810, gnomAD 0.006%). This variant has not been reported in the literature in individuals affected with PLCG2-related conditions. ClinVar contains an entry for this variant (Variation ID: 1391265). An algorithm developed to predict the effect of missense changes on protein structure and function outputs the following: PolyPhen-2: "Benign". The valine amino acid residue is found in multiple mammalian species, which suggests that this missense change does not adversely affect protein function. In summary, the available evidence is currently insufficient to determine the role of this variant in disease. Therefore, it has been classified as a Variant of Uncertain Significance.

GeneDx
Classification: Uncertain significance. Last evaluated: 2024-09-23. Review status: criteria provided, single submitter. Criteria: GeneDx Variant Classification Process June 2021. Collection method: clinical testing. Allele origin: germline. Affected: yes.
Comment: In silico analysis indicates that this missense variant does not alter protein structure/function; Has not been previously published as pathogenic or benign to our knowledge